The following is an entry in ClinVar:

ClinVar aggregate classification (germline): Conflicting classifications of pathogenicity. Review status: criteria provided, conflicting classifications (1 of 4 stars). 11 submissions from 11 submitters: Likely pathogenic (3); Uncertain significance (8). Last evaluated 2026-03-03.

Conditions:
ATP7B-related disorder. Also called: ATP7B-related condition.
Inborn genetic diseases. Identifiers: MedGen C0950123, MeSH D030342.
Wilson disease (WND). Also called: Wilson's disease. Identifiers: Orphanet 905, MedGen C0019202, MONDO:0010200, OMIM 277900. Disease mechanism: loss of function.

Allele frequency attached by ClinVar (database versions not stated): gnomAD 0.00001; gnomAD exomes 0.00001; TOPMed 0.00002.
gnomAD v4.1: 7 of 1,613,928 alleles (0.00043%); highest among the groups gnomAD compares: Non-Finnish European, 0.00051%; no homozygotes.

Submissions (11):

PreventionGenetics, part of Exact Sciences
Classification: Likely pathogenic for ATP7B-related condition. Last evaluated: 2026-03-03. Review status: criteria provided, single submitter. Criteria: ACMG Guidelines, 2015. Collection method: clinical testing. Allele origin: germline.
Comment: The ATP7B c.2953T>C variant is predicted to result in the amino acid substitution p.Cys985Arg. To our knowledge, this variant has not been reported in the literature. However, a different missense variant affecting this residue was seen in a patient with clinical symptoms of Wilson disease (p.Cys985Thr). The reported patient also carried the p.Ile1148Thr pathogenic variant, but it is unclear whether the two variants were found on opposite alleles (Haas et al. 1999. PubMed ID: 10447265). This variant is reported in 0.0023% of alleles in individuals of European (Non-Finnish) descent in gnomAD. This variant is interpreted as likely pathogenic.

Color Diagnostics, LLC DBA Color Health
Classification: Uncertain significance for Wilson disease. Last evaluated: 2025-06-11. Review status: criteria provided, single submitter. Criteria: ACMG Guidelines, 2015. Collection method: clinical testing. Allele origin: germline.
Comment: This missense variant replaces cysteine with arginine at codon 985 of the ATP7B protein. Computational prediction suggests that this variant may have deleterious impact on protein structure and function. To our knowledge, functional studies have not been reported for this variant. This variant has not been reported in individuals affected with wilson disease in the literature. This variant has been identified in 4/280672 chromosomes in the general population by the Genome Aggregation Database (gnomAD). The available evidence is insufficient to determine the role of this variant in disease conclusively. Therefore, this variant is classified as a Variant of Uncertain Significance.

ARUP Laboratories, Molecular Genetics and Genomics, ARUP Laboratories
Classification: Uncertain significance for Wilson disease. Last evaluated: 2025-05-21. Review status: criteria provided, single submitter. Criteria: ARUP Molecular Germline Variant Investigation Process 2024. Collection method: clinical testing. Allele origin: germline.
Comment: The ATP7B c.2953T>C; p.Cys985Arg variant (rs193922104), to our knowledge, is not reported in the medical literature but is reported in ClinVar (Variation ID: 35711). However, another variant in the same codon, p.Cys985Tyr, is described in an individual with suspected Wilson disease who also carried an additional pathogenic variant (Haas 1999). The p.Cys985Arg variant is found in the general population with an overall allele frequency of 0.001% (4/280672 alleles) in the Genome Aggregation Database (v2.1.1). Computational analyses predict that this variant is deleterious (REVEL: 0.922). Due to limited information, the clinical significance of the p.Cys985Arg variant is uncertain at this time. References: Haas R et al. Mutation analysis in patients with Wilson disease: identification of 4 novel mutations. Mutation in brief no. 250. Online. Hum Mutat. 1999;14(1):88. PMID: 10447265.

Mayo Clinic Laboratories, Mayo Clinic
Classification: Likely pathogenic. Last evaluated: 2025-04-21. Review status: criteria provided, single submitter. Criteria: ACMG Guidelines, 2015. Collection method: clinical testing. Allele origin: germline. Observed: 3 variant alleles.
Comment: PP3_moderate, PP4, PM2_supporting, PM3_strong

Women's Health and Genetics/Laboratory Corporation of America, LabCorp
Classification: Uncertain significance. Last evaluated: 2025-04-07. Review status: criteria provided, single submitter. Criteria: LabCorp Variant Classification Summary - May 2015. Collection method: clinical testing. Allele origin: germline.
Comment: Variant summary: ATP7B c.2953T>C (p.Cys985Arg) results in a non-conservative amino acid change in the encoded protein sequence. Five of five in-silico tools predict a damaging effect of the variant on protein function. The variant allele was found at a frequency of 1.2e-05 in 249270 control chromosomes. The available data on variant occurrences in the general population are insufficient to allow any conclusion about variant significance. To our knowledge, no occurrence of c.2953T>C in individuals affected with Wilson Disease and no experimental evidence demonstrating its impact on protein function have been reported. ClinVar contains an entry for this variant (Variation ID: 35711). Based on the evidence outlined above, the variant was classified as uncertain significance.

GeneDx
Classification: Uncertain significance. Last evaluated: 2025-02-19. Review status: criteria provided, single submitter. Criteria: GeneDx Variant Classification Process June 2021. Collection method: clinical testing. Allele origin: germline. Affected: yes.
Comment: Not observed at significant frequency in large population cohorts (gnomAD); In silico analysis supports that this missense variant has a deleterious effect on protein structure/function; Has not been previously published as pathogenic or benign to our knowledge

All of Us Research Program, National Institutes of Health
Classification: Uncertain significance for Wilson disease. Last evaluated: 2024-02-05. Review status: criteria provided, single submitter. Criteria: ACMG Guidelines, 2015. Collection method: clinical testing. Allele origin: germline. Inheritance: Autosomal recessive inheritance. Observed: 4 variant alleles, 4 heterozygotes.
Comment: This missense variant replaces cysteine with arginine at codon 985 of the ATP7B protein. Computational prediction suggests that this variant may have deleterious impact on protein structure and function (internally defined REVEL score threshold >= 0.7, PMID: 27666373). To our knowledge, functional studies have not been reported for this variant. This variant has not been reported in individuals affected with wilson disease in the literature. This variant has been identified in 4/280672 chromosomes in the general population by the Genome Aggregation Database (gnomAD). The available evidence is insufficient to determine the role of this variant in disease conclusively. Therefore, this variant is classified as a Variant of Uncertain Significance.

This study involves interpretation of variants in research participants for the purpose of population health screening. Participant phenotype was not available at the time of variant classification. Additional details can be found in publication PMID: 35346344, PMCID: PMC8962531

Labcorp Genetics (formerly Invitae), Labcorp
Classification: Uncertain significance for Wilson disease. Last evaluated: 2022-03-16. Review status: criteria provided, single submitter. Criteria: Invitae Variant Classification Sherloc (09022015). Collection method: clinical testing. Allele origin: germline.
Comment: This sequence change replaces cysteine, which is neutral and slightly polar, with arginine, which is basic and polar, at codon 985 of the ATP7B protein (p.Cys985Arg). This variant is present in population databases (rs193922104, gnomAD 0.002%). This variant has not been reported in the literature in individuals affected with ATP7B-related conditions. ClinVar contains an entry for this variant (Variation ID: 35711). Advanced modeling of protein sequence and biophysical properties (such as structural, functional, and spatial information, amino acid conservation, physicochemical variation, residue mobility, and thermodynamic stability) performed at Invitae indicates that this missense variant is expected to disrupt ATP7B protein function. In summary, the available evidence is currently insufficient to determine the role of this variant in disease. Therefore, it has been classified as a Variant of Uncertain Significance.

Genome-Nilou Lab
Classification: Uncertain significance for Wilson disease. Last evaluated: 2021-08-10. Review status: criteria provided, single submitter. Criteria: ACMG Guidelines, 2015. Collection method: clinical testing. Allele origin: germline. Affected: no.

Ambry Genetics
Classification: Uncertain significance for Inborn genetic diseases. Last evaluated: 2017-01-25. Review status: criteria provided, single submitter. Criteria: Ambry Variant Classification Scheme 2023. Collection method: clinical testing. Allele origin: germline.
Comment: The p.C985R variant (also known as c.2953T>C), located in coding exon 13 of the ATP7B gene, results from a T to C substitution at nucleotide position 2953. The cysteine at codon 985 is replaced by arginine, an amino acid with highly dissimilar properties. This amino acid position is highly conserved in available vertebrate species. In addition, this alteration is predicted to be deleterious by in silico analysis. Since supporting evidence is limited at this time, the clinical significance of this alteration remains unclear.

Eurofins Ntd Llc (ga)
Classification: Likely pathogenic. Last evaluated: 2016-10-04. Review status: criteria provided, single submitter. Criteria: EGL Classification Definitions 2015. Collection method: clinical testing. Allele origin: germline. Observed: 1 variant allele, 1 heterozygote.

NM_000053.4(ATP7B):c.2953T>C (p.Cys985Arg)

Gene: ATP7B (ATPase copper transporting beta; minus strand). Cytogenetic location: 13q14.3.
Variant type: single nucleotide variant.
Coding change: c.2953T>C on transcript NM_000053.4 (MANE Select); coding-DNA position 2953, T replaced by C.
Protein change: p.Cys985Arg; replaces cysteine 985 with arginine.
Molecular consequence: missense variant.
Genome position (GRCh38, 1-based): chr13:51,946,391, A>G on the plus strand (T>C on the coding strand, the complement: ATP7B is on the minus strand). VCF-style: chr13-51946391-A-G. GRCh37 (hg19) VCF-style: chr13-52520527-A-G.
Other names: c.2332T>C, p.Cys778Arg (NM_001005918.3); c.2620T>C, p.Cys874Arg (NM_001243182.2); c.2719T>C, p.Cys907Arg (NM_001330578.2); c.2701T>C, p.Cys901Arg (NM_001330579.2); short protein forms C985R, C778R, C907R, C874R, C901R.
Identifiers: ClinVar variation 35711 (VCV000035711.35), dbSNP rs193922104, ClinGen allele CA260132.